The following is an entry in ClinVar:

ClinVar aggregate classification (germline): Pathogenic (0 of 4 stars; one submission).

Conditions:
Malignant tumor of breast. Also called: Malignant breast neoplasm; Cancer breast. Identifiers: MedGen C0006142, MONDO:0007254. Disease mechanism: loss of function.

Submission:

Department of Pathology and Laboratory Medicine, Sinai Health System
Classification: Pathogenic for Malignant tumor of breast. Review status: no assertion criteria provided. Collection method: clinical testing. Allele origin: unknown. Affected: yes. Study: The Canadian Open Genetics Repository (COGR).
Comment: The FANCC c.1-?_250+?del variant (chr:9 g.98009714_98011573del GRCh37) results in a deletion of exons 2 and 3, including the start codon, although the precise breakpoints of this deletion were not determined, nor were the effects of this variant on the resulting mRNA or protein product determined. The FANCC c.1-?_250+?del variant was identified in two siblings of Arabian and British descent who were affected with Fanconi Anemia, co-occurring with FANCC c.165+1G>T (Hartmann 2010). The variant was also identified in ClinVar (classified as pathogenic by Invitae) and LOVD 3.0 (1x). The variant was not identified in dbSNP, the Exome Aggregation Consortium (August 8th 2016) or the Genome Aggregation Database (Feb 27, 2017). The c.1-?_250+?del variant is predicted to cause a frameshift, which alters the protein's amino acid sequence beginning at codon 2 and leads to a premature stop codon at codon 7 (p.Ala2Lysfs*6). This alteration is then predicted to result in a truncated or absent protein and loss of function. Loss of function variants of the FANCC gene are an established mechanism of disease in FANCC associated cancers and is the type of variant expected to cause the disorder. In summary, based on the above information, this variant meets our laboratoryâ€šÃ„Ã´s criteria to be classified as pathogenic.

NM_000136.3(FANCC):c.166-165_250+3del

Gene: FANCC (FA complementation group C; minus strand). Cytogenetic location: 9q22.32.
Variant type: Deletion.
Coding change: c.166-165_250+3del on transcript NM_000136.3 (MANE Select); 165 bases into the intron before coding-DNA position 166 through 3 bases into the intron after coding-DNA position 250, 253 bases deleted.
Molecular consequence: splice acceptor variant, splice donor variant.
Genome position (GRCh38, 1-based): chr9:95,247,429-95,247,681, 253 bases deleted. GRCh37 (hg19): chr9:98,009,711-98,009,963.
Other names: c.166-165_250+3del (NM_001243743.2, NM_001243744.2).
Identifiers: ClinVar variation 1049581 (VCV001049581.2), dbSNP rs2136090574, ClinGen allele CA2499220014.